The following is an entry in ClinVar:

ClinVar aggregate classification (germline): Uncertain significance (1 of 4 stars; one submission).

Conditions:
Hereditary cancer-predisposing syndrome. Also called: Hereditary neoplastic syndrome; Neoplastic Syndromes, Hereditary; Tumor predisposition; Hereditary Cancer Syndrome. Identifiers: Orphanet 140162, MedGen C0027672, MeSH D009386, MONDO:0015356.

Submission:

Ambry Genetics
Classification: Uncertain significance for Hereditary cancer-predisposing syndrome. Last evaluated: 2020-04-27. Review status: criteria provided, single submitter. Criteria: Ambry Variant Classification Scheme 2023. Collection method: clinical testing. Allele origin: germline.
Comment: The p.M2550T variant (also known as c.7649T>C), located in coding exon 51 of the ATM gene, results from a T to C substitution at nucleotide position 7649. The methionine at codon 2550 is replaced by threonine, an amino acid with similar properties. This amino acid position is not well conserved in available vertebrate species. In addition, this alteration is predicted to be tolerated by in silico analysis. Since supporting evidence is limited at this time, the clinical significance of this alteration remains unclear.

NM_000051.4(ATM):c.7649T>C (p.Met2550Thr)

Genes: ATM (ATM serine/threonine kinase; plus strand), C11orf65 (chromosome 11 open reading frame 65; minus strand). Cytogenetic location: 11q22.3.
Variant type: single nucleotide variant.
Coding change: c.7649T>C on transcript NM_000051.4 (MANE Select); coding-DNA position 7649, T replaced by C.
Protein change: p.Met2550Thr; replaces methionine 2550 with threonine.
Molecular consequence: missense variant. On other transcripts: intron variant (2).
Genome position (GRCh38, 1-based): chr11:108,331,898, T>C. VCF-style: chr11-108331898-T-C. GRCh37 (hg19) VCF-style: chr11-108202625-T-C.
Other names: c.7649T>C, p.Met2550Thr (NM_001351834.2); c.641-22827A>G (NM_001330368.2); c.*38+3322A>G (NM_001351110.2); short protein forms M2550T.
Identifiers: ClinVar variation 1759963 (VCV001759963.2), dbSNP rs2547281611, ClinGen allele CA382560926.